The following is an entry in ClinVar:

NM_006765.4(TUSC3):c.*2456C>A

Gene: TUSC3 (tumor suppressor candidate 3; plus strand). Cytogenetic location: 8p22.
Variant type: single nucleotide variant.
Coding change: c.*2456C>A on transcript NM_006765.4 (MANE Select); 2456 bases downstream of the stop codon, C replaced by A.
Molecular consequence: 3 prime UTR variant.
Genome position (GRCh38, 1-based): chr8:15,766,612, C>A. VCF-style: chr8-15766612-C-A. GRCh37 (hg19) VCF-style: chr8-15624121-C-A.
Other names: c.*2394C>A (NM_178234.2).
Identifiers: ClinVar variation 362348 (VCV000362348.6), dbSNP rs13267717, ClinGen allele CA10625076.

ClinVar aggregate classification (germline): Benign. Review status: criteria provided, multiple submitters, no conflicts (2 of 4 stars). 2 submissions from 2 submitters: Benign (2). Last evaluated 2018-01-13.

Conditions:
Congenital disorder of glycosylation (CDG). Also called: Carbohydrate-deficient glycoprotein syndrome; Congenital disorders of glycosylation. Identifiers: Orphanet 137, MedGen C0282577, MONDO:0015286.

Allele frequency attached by ClinVar (database versions not stated): 1000 Genomes Project 30x 0.11259; 1000 Genomes Project 0.11462; TOPMed 0.18327; gnomAD 0.20669 and 0.21037.

Submissions (2):

Illumina Laboratory Services, Illumina
Classification: Benign for Congenital disorder of glycosylation. Last evaluated: 2018-01-13. Review status: criteria provided, single submitter. Criteria: ICSL Variant Classification Criteria 13 December 2019. Collection method: clinical testing. Allele origin: germline.
Comment: This variant was observed in the ICSL laboratory as part of a predisposition screen in an ostensibly healthy population. It had not been previously curated by ICSL or reported in the Human Gene Mutation Database (HGMD: prior to June 1st, 2018), and was therefore a candidate for classification through an automated scoring system. Utilizing variant allele frequency, disease prevalence and penetrance estimates, and inheritance mode, an automated score was calculated to assess if this variant is too frequent to cause the disease. Based on the score and internal cut-off values, a variant classified as benign is not then subjected to further curation. The score for this variant resulted in a classification of benign for this disease.

Breakthrough Genomics
Classification: Benign. Review status: criteria provided, single submitter. Criteria: ACMG Guidelines, 2015. Collection method: not provided. Allele origin: germline. Inheritance: Autosomal recessive inheritance. Affected: yes.